The following is an entry in ClinVar:

NM_033100.4(CDHR1):c.572G>A (p.Arg191His)

Gene: CDHR1 (cadherin related family member 1; plus strand). Cytogenetic location: 10q23.1.
Variant type: single nucleotide variant.
Coding change: c.572G>A on transcript NM_033100.4 (MANE Select); coding-DNA position 572, G replaced by A.
Protein change: p.Arg191His; replaces arginine 191 with histidine.
Molecular consequence: missense variant.
Genome position (GRCh38, 1-based): chr10:84,201,853, G>A. VCF-style: chr10-84201853-G-A. GRCh37 (hg19) VCF-style: chr10-85961609-G-A.
Other names: c.572G>A (NM_033100.3); c.572G>A, p.Arg191His (NM_001171971.3); short protein forms R191H.
Identifiers: ClinVar variation 1346834 (VCV001346834.7), dbSNP rs142631189, ClinGen allele CA5579594.
Genomic context (GRCh38, chr10:84,201,853, plus strand): 5'-CCTAATTCTTATAGAACCTGCACTCCCCATTTGCCGTGGACCGCCACAGCGGTGTGCTGC[G>A]CCTCCAGGCTGGGGCCACTCTGGACTACGAGAGGTCCCGGACCCACTACATCACCGTGGT-3'
Protein context (NP_149091.1, residues 181-201): FAVDRHSGVL[Arg191His]LQAGATLDYE

ClinVar aggregate classification (germline): Uncertain significance. Review status: criteria provided, multiple submitters, no conflicts (2 of 4 stars). 3 submissions from 3 submitters: Uncertain significance (3). Last evaluated 2025-11-10.

Conditions:
CDHR1-related disorder. Also called: CDHR1-related condition.

Allele frequency attached by ClinVar (database versions not stated): gnomAD 0.00004; ExAC 0.00005; gnomAD exomes 0.00005; ESP Exome Variant Server 0.00008.
gnomAD v4.1: 43 of 1,609,812 alleles (0.0027%); highest among the groups gnomAD compares: Middle Eastern, 0.016%; no homozygotes.

Submissions (3):

PreventionGenetics, part of Exact Sciences
Classification: Uncertain significance for CDHR1-related condition. Last evaluated: 2025-11-10. Review status: criteria provided, single submitter. Criteria: ACMG Guidelines, 2015. Collection method: clinical testing. Allele origin: germline.
Comment: The CDHR1 c.572G>A variant is predicted to result in the amino acid substitution p.Arg191His. To our knowledge, this variant has not been reported in the literature for individuals with retinal disease. This variant is present in 0.046% of alleles in individuals of European (Finnish) descent in gnomAD. At this time, the clinical significance of this variant is uncertain due to the absence of conclusive functional and genetic evidence.

Labcorp Genetics (formerly Invitae), Labcorp
Classification: Uncertain significance. Last evaluated: 2022-07-12. Review status: criteria provided, single submitter. Criteria: Invitae Variant Classification Sherloc (09022015). Collection method: clinical testing. Allele origin: germline.
Comment: This sequence change replaces arginine, which is basic and polar, with histidine, which is basic and polar, at codon 191 of the CDHR1 protein (p.Arg191His). This variant is present in population databases (rs142631189, gnomAD 0.04%). This variant has not been reported in the literature in individuals affected with CDHR1-related conditions. ClinVar contains an entry for this variant (Variation ID: 1346834). Advanced modeling of protein sequence and biophysical properties (such as structural, functional, and spatial information, amino acid conservation, physicochemical variation, residue mobility, and thermodynamic stability) performed at Invitae indicates that this missense variant is not expected to disrupt CDHR1 protein function. In summary, the available evidence is currently insufficient to determine the role of this variant in disease. Therefore, it has been classified as a Variant of Uncertain Significance.

Blueprint Genetics
Classification: Uncertain significance. Last evaluated: 2022-06-08. Review status: criteria provided, single submitter. Criteria: ACMG Guidelines, 2015. Collection method: clinical testing. Allele origin: germline.